The following is an entry in ClinVar:

ClinVar aggregate classification (germline): Uncertain significance (1 of 4 stars; one submission).

Submission:

Labcorp Genetics (formerly Invitae), Labcorp
Classification: Uncertain significance. Last evaluated: 2025-06-22. Review status: criteria provided, single submitter. Criteria: Invitae Variant Classification Sherloc (09022015). Collection method: clinical testing. Allele origin: germline.
Comment: This sequence change replaces methionine, which is neutral and non-polar, with valine, which is neutral and non-polar, at codon 148 of the IRF4 protein (p.Met148Val). This variant is present in population databases (no rsID available, gnomAD 0.0009%). This variant has not been reported in the literature in individuals affected with IRF4-related conditions. An algorithm developed to predict the effect of missense changes on protein structure and function (PolyPhen-2) suggests that this variant is likely to be tolerated. In summary, the available evidence is currently insufficient to determine the role of this variant in disease. Therefore, it has been classified as a Variant of Uncertain Significance.

NM_002460.4(IRF4):c.442A>G (p.Met148Val)

Gene: IRF4 (interferon regulatory factor 4; plus strand). Cytogenetic location: 6p25.3.
Variant type: single nucleotide variant.
Coding change: c.442A>G on transcript NM_002460.4 (MANE Select); coding-DNA position 442, A replaced by G.
Protein change: p.Met148Val; replaces methionine 148 with valine.
Molecular consequence: missense variant. On other transcripts: non-coding transcript variant (1).
Genome position (GRCh38, 1-based): chr6:395,885, A>G. VCF-style: chr6-395885-A-G. GRCh37 (hg19) VCF-style: chr6-395885-A-G.
Other names: c.442A>G, p.Met148Val (NM_001195286.2); short protein forms M148V.
Identifiers: ClinVar variation 4799265 (VCV004799265.1).